The following is an entry in ClinVar:

NM_015338.6(ASXL1):c.4526G>A (p.Ser1509Asn)

Gene: ASXL1 (ASXL transcriptional regulator 1; plus strand). Cytogenetic location: 20q11.21.
Variant type: single nucleotide variant.
Coding change: c.4526G>A on transcript NM_015338.6 (MANE Select); coding-DNA position 4526, G replaced by A.
Protein change: p.Ser1509Asn; replaces serine 1509 with asparagine.
Molecular consequence: missense variant.
Genome position (GRCh38, 1-based): chr20:32,437,238, G>A. VCF-style: chr20-32437238-G-A. GRCh37 (hg19) VCF-style: chr20-31025041-G-A.
Other names: c.4343G>A, p.Ser1448Asn (NM_001363734.1); short protein forms S1448N, S1509N.
Identifiers: ClinVar variation 2072081 (VCV002072081.4), dbSNP rs753585837, ClinGen allele CA9809043.

ClinVar aggregate classification (germline): Uncertain significance (1 of 4 stars; one submission).

Allele frequency attached by ClinVar (database versions not stated): ExAC 0.00001; gnomAD 0.00001; TOPMed 0.00001.
gnomAD v4.1: 1 of 1,613,952 alleles (0.000062%); highest among the groups gnomAD compares: African/African-American, 0.0013%; no homozygotes.

Submission:

Labcorp Genetics (formerly Invitae), Labcorp
Classification: Uncertain significance. Last evaluated: 2022-08-01. Review status: criteria provided, single submitter. Criteria: Invitae Variant Classification Sherloc (09022015). Collection method: clinical testing. Allele origin: germline.
Comment: In summary, the available evidence is currently insufficient to determine the role of this variant in disease. Therefore, it has been classified as a Variant of Uncertain Significance. Algorithms developed to predict the effect of missense changes on protein structure and function are either unavailable or do not agree on the potential impact of this missense change (SIFT: "Tolerated"; PolyPhen-2: "Probably Damaging"; Align-GVGD: "Class C0"). This variant has not been reported in the literature in individuals affected with ASXL1-related conditions. This variant is present in population databases (rs753585837, gnomAD 0.007%). This sequence change replaces serine, which is neutral and polar, with asparagine, which is neutral and polar, at codon 1509 of the ASXL1 protein (p.Ser1509Asn).